The following is an entry in ClinVar:

ClinVar aggregate classification (germline): Uncertain significance (1 of 4 stars; one submission).

Conditions:
Arthrogryposis, distal, type 1A. Also called: ARTHROGRYPOSIS MULTIPLEX CONGENITA, DISTAL, TYPE I. Identifiers: Orphanet 1146, MedGen C6022280, MONDO:0007157, OMIM 108120.

Submission:

Broad Center for Mendelian Genomics, Broad Institute of MIT and Harvard
Classification: Uncertain significance for Arthrogryposis, distal, type 1A. Last evaluated: 2023-12-20. Review status: criteria provided, single submitter. Criteria: ACMG Guidelines, 2015. Collection method: curation. Allele origin: germline. Inheritance: Autosomal dominant inheritance. Study: GREGoR Consortium.
Comment: Trio exome analysis showed this variant to be de novo. This variant was absent from large population studies. This variant is an insertion of 15 amino acids at position 5 and is not predicted to alter the protein reading-frame. It is unclear if this insertion will impact the protein. In summary, the clinical significance of the p.Lys5_Ile19dup variant is uncertain. ACMG/AMP Criteria applied: PM4, PS2_supporting, PM2_supporting (Richards 2015).

NM_003289.4(TPM2):c.13_57dup (p.Ile19_Asp20insLysLysLysMetGlnMetLeuLysLeuAspLysGluAsnAlaIle)

Gene: TPM2 (tropomyosin 2; minus strand). Cytogenetic location: 9p13.3.
Variant type: Duplication.
Coding change: c.13_57dup on transcript NM_003289.4 (MANE Select); coding-DNA positions 13 to 57, 45 bases duplicated.
Protein change: p.Ile19_Asp20insLysLysLysMetGlnMetLeuLysLeuAspLysGluAsnAlaIle.
Genome position (GRCh38, 1-based): chr9:35,689,761-35,689,805, 45 bases duplicated; duplicating any 45 consecutive bases within chr9:35,689,761-35,689,813 gives the same sequence; the c. name uses the placement nearest the transcript's 3' end. GRCh37 (hg19): chr9:35,689,766-35,689,810.
Other names: NM_001301227.2:c.13_57dup; c.13_57dup, p.Ile19_Asp20insLysLysLysMetGlnMetLeuLysLeuAspLysGluAsnAlaIle (NM_001301226.2, NM_001301227.2, NM_213674.1).
Identifiers: ClinVar variation 2674605 (VCV002674605.1), dbSNP rs2490704344, ClinGen allele CA2580060367.